The following is an entry in ClinVar:

NM_002772.3(TMPRSS15):c.2486+4A>T

Gene: TMPRSS15 (transmembrane serine protease 15; minus strand). Cytogenetic location: 21q21.1.
Variant type: single nucleotide variant.
Coding change: c.2486+4A>T on transcript NM_002772.3 (MANE Select); 4 bases into the intron after coding-DNA position 2486, A replaced by T.
Molecular consequence: intron variant.
Genome position (GRCh38, 1-based): chr21:18,294,266, T>A on the plus strand (A>T on the coding strand, the complement: TMPRSS15 is on the minus strand). VCF-style: chr21-18294266-T-A. GRCh37 (hg19) VCF-style: chr21-19666583-T-A.
Other names: c.2486+4A>T (NM_001428057.1); c.2621+4A>T (NM_001428056.1).
Identifiers: ClinVar variation 3673124 (VCV003673124.2).
Genomic context (GRCh38, chr21:18,294,266, plus strand): 5'-GGACGCTTGGCAGTGTCTGCTGTGGTGACCTAGTTTGGGAAGGGACACTTGACATCACAC[T>A]CACCCATACACGCAGTGTGCGGCGGACACCAGCCAGTCACTGCTGACGAGAGATGCGCCG-3'

ClinVar aggregate classification (germline): Uncertain significance (1 of 4 stars; one submission).

Submission:

Labcorp Genetics (formerly Invitae), Labcorp
Classification: Uncertain significance. Last evaluated: 2024-02-09. Review status: criteria provided, single submitter. Criteria: Invitae Variant Classification Sherloc (09022015). Collection method: clinical testing. Allele origin: germline.
Comment: This sequence change falls in intron 21 of the TMPRSS15 gene. It does not directly change the encoded amino acid sequence of the TMPRSS15 protein. It affects a nucleotide within the consensus splice site. This variant is not present in population databases (gnomAD no frequency). This variant has not been reported in the literature in individuals affected with TMPRSS15-related conditions. Variants that disrupt the consensus splice site are a relatively common cause of aberrant splicing (PMID: 17576681, 9536098). Algorithms developed to predict the effect of sequence changes on RNA splicing suggest that this variant may disrupt the consensus splice site. In summary, the available evidence is currently insufficient to determine the role of this variant in disease. Therefore, it has been classified as a Variant of Uncertain Significance.

Literature cited by the submitters: PubMed 17576681; PubMed 9536098.